The following is an entry in ClinVar:

ClinVar aggregate classification (germline): Pathogenic/Likely pathogenic. Review status: criteria provided, multiple submitters, no conflicts (2 of 4 stars). 3 submissions from 3 submitters: Pathogenic (2); Likely pathogenic (1). Last evaluated 2026-08-01.

Conditions:
COL4A2-related disorder. Also called: COL4A2-related disorders; COL4A2-related condition.

Allele frequency attached by ClinVar (database versions not stated): gnomAD 0.00001.
gnomAD v4.1: 1 of 1,613,806 alleles (0.000062%); highest among the groups gnomAD compares: Admixed American, 0.0017%; no homozygotes.

Submissions (3):

CeGaT Center for Human Genetics Tuebingen
Classification: Pathogenic. Last evaluated: 2026-08-01. Review status: criteria provided, single submitter. Criteria: CeGaT Center For Human Genetics Tuebingen Variant Classification Criteria Version 2. Collection method: clinical testing. Allele origin: germline. Affected: yes. Observed: 4 variant alleles.
Comment: COL4A2: PM1:Strong, PM2, PS4:Moderate, PM6:Supporting, PS3:Supporting

GeneDx
Classification: Pathogenic. Last evaluated: 2023-08-15. Review status: criteria provided, single submitter. Criteria: GeneDx Variant Classification Process June 2021. Collection method: clinical testing. Allele origin: germline. Affected: yes.
Comment: Affects a glycine residue in a Gly-X-Y motif in the triple helical region of the COL4A2 gene, where the majority of pathogenic missense variants occur, and is predicted to disrupt normal protein folding and function (PMID: 22522439, 23225343; HGMD); Not observed at significant frequency in large population cohorts (gnomAD); In silico analysis supports that this missense variant has a deleterious effect on protein structure/function; This variant is associated with the following publications: (PMID: 22914737, 22209247, 22522439, 23225343, 33486335, 22333902)

Blueprint Genetics
Classification: Likely pathogenic for COL4A2-related disorders. Last evaluated: 2022-03-04. Review status: criteria provided, single submitter. Criteria: ACMG Guidelines, 2015. Collection method: clinical testing. Allele origin: germline. Affected: yes. Observed: 1 variant allele.

NM_001846.4(COL4A2):c.4165G>A (p.Gly1389Arg)

Genes: COL4A2 (collagen type IV alpha 2 chain; plus strand), COL4A2-AS1 (COL4A2 antisense RNA 1; minus strand). Cytogenetic location: 13q34.
Variant type: single nucleotide variant.
Coding change: c.4165G>A on transcript NM_001846.4 (MANE Select); coding-DNA position 4165, G replaced by A.
Protein change: p.Gly1389Arg; replaces glycine 1389 with arginine.
Molecular consequence: missense variant.
Genome position (GRCh38, 1-based): chr13:110,503,873, G>A. VCF-style: chr13-110503873-G-A. GRCh37 (hg19) VCF-style: chr13-111156220-G-A.
Other names: c.4165G>A (NM_001846.2); short protein forms G1389R.
Identifiers: ClinVar variation 1176978 (VCV001176978.37), dbSNP rs1670170578, ClinGen allele CA388737436.
Genomic context (GRCh38, chr13:110,503,873, plus strand): 5'-TGTGTTTACTGGGGCCTCTCTGTTTCCCTTCCAGGTGCCCCCGGGACTGTGGGAGCCCCC[G>A]GGATTGCAGGAATCCCCCAGAAGATTGCCGTCCAACCAGGGACAGTGGGTCCCCAGGGGA-3'
Protein context (NP_001837.2, residues 1379-1399): PGAPGTVGAP[Gly1389Arg]IAGIPQKIAV